The following is an entry in ClinVar:

NM_001042492.3(NF1):c.808C>T (p.Gln270Ter)

Gene: NF1 (neurofibromin 1; plus strand). Cytogenetic location: 17q11.2.
Variant type: single nucleotide variant.
Coding change: c.808C>T on transcript NM_001042492.3 (MANE Select); coding-DNA position 808, C replaced by T.
Protein change: p.Gln270Ter; replaces glutamine 270 with a stop codon.
Molecular consequence: nonsense.
Genome position (GRCh38, 1-based): chr17:31,182,585, C>T. VCF-style: chr17-31182585-C-T. GRCh37 (hg19) VCF-style: chr17-29509603-C-T.
Other names: c.808C>T, p.Gln270Ter (NM_000267.4, NM_001128147.3); short protein forms Q270*.
Identifiers: ClinVar variation 664218 (VCV000664218.15), dbSNP rs1555608970, ClinGen allele CA398990931.

ClinVar aggregate classification (germline): Pathogenic/Likely pathogenic. Review status: criteria provided, multiple submitters, no conflicts (2 of 4 stars). 5 submissions from 5 submitters: Pathogenic (3); Likely pathogenic (2). Last evaluated 2025-06-11.

Conditions:
Hereditary cancer-predisposing syndrome. Also called: Neoplastic Syndromes, Hereditary; Hereditary neoplastic syndrome; Tumor predisposition; Hereditary Cancer Syndrome. Identifiers: Orphanet 140162, MedGen C0027672, MeSH D009386, MONDO:0015356.
Cardiovascular phenotype. Identifiers: MedGen CN230736.
Neurofibromatosis, type 1 (NF1). Also called: VON RECKLINGHAUSEN DISEASE; NEUROFIBROMATOSIS, TYPE I, SOMATIC; Peripheral type neurofibromatosis; Neurofibromatosis, type I. Identifiers: Orphanet 636, MedGen C0027831, MONDO:0018975, OMIM 162200. Disease mechanism: loss of function.

Submissions (5):

Labcorp Genetics (formerly Invitae), Labcorp
Classification: Pathogenic for Neurofibromatosis, type 1. Last evaluated: 2025-06-11. Review status: criteria provided, single submitter. Criteria: Invitae Variant Classification Sherloc (09022015). Collection method: clinical testing. Allele origin: germline.
Comment: This sequence change creates a premature translational stop signal (p.Gln270*) in the NF1 gene. It is expected to result in an absent or disrupted protein product. Loss-of-function variants in NF1 are known to be pathogenic (PMID: 10712197, 23913538). This variant is not present in population databases (gnomAD no frequency). This premature translational stop signal has been observed in individuals with neurofibromatosis type 1 (PMID: 26056819, 27838393). Invitae Evidence Modeling of clinical and family history, age, sex, and reported ancestry of multiple individuals with this NF1 variant has been performed. This variant is expected to be pathogenic with a positive predictive value of at least 99%. This is a validated machine learning model that incorporates the clinical features of 1,785,918 individuals referred to our laboratory for NF1 testing. ClinVar contains an entry for this variant (Variation ID: 664218). For these reasons, this variant has been classified as Pathogenic.

3billion
Classification: Pathogenic for Neurofibromatosis, type 1. Last evaluated: 2022-05-22. Review status: criteria provided, single submitter. Criteria: ACMG Guidelines, 2015. Collection method: clinical testing. Allele origin: germline. Affected: yes. Observed: 1 heterozygote.
Comment: The variant is not observed in the gnomAD v2.1.1 dataset. Stop-gained (nonsense): predicted to result in a loss or disruption of normal protein function through nonsense-mediated decay (NMD) or protein truncation. Multiple pathogenic variants are reported downstream of the variant. The variant has been reported at least twice as pathogenic with clinical assertions and evidence for the classification (ClinVar ID: VCV000664218 / PMID: 26056819). Therefore, this variant is classified as pathogenic according to the recommendation of ACMG/AMP guideline.

Genome-Nilou Lab
Classification: Likely pathogenic for Neurofibromatosis, type 1. Last evaluated: 2022-03-15. Review status: criteria provided, single submitter. Criteria: ACMG Guidelines, 2015. Collection method: clinical testing. Allele origin: germline. Affected: no.

Ambry Genetics
Classification: Pathogenic for Cardiovascular phenotype; Hereditary cancer-predisposing syndrome. Last evaluated: 2021-06-09. Review status: criteria provided, single submitter. Criteria: Ambry Variant Classification Scheme 2023. Collection method: clinical testing. Allele origin: germline.
Comment: The p.Q270* pathogenic mutation (also known as c.808C>T), located in coding exon 8 of the NF1 gene, results from a C to T substitution at nucleotide position 808. This changes the amino acid from a glutamine to a stop codon within coding exon 8. This mutation has been detected in patients affected with neurofibromatosis type 1 (NF1) (Cal&igrave; F et al. Eur J Med Genet, 2017 Feb;60:93-99; Zhang J et al. Sci Rep, 2015 Jun;5:11291). This alteration is expected to result in loss of function by premature protein truncation or nonsense-mediated mRNA decay. As such, this alteration is interpreted as a disease-causing mutation.

Genome Diagnostics Laboratory, The Hospital for Sick Children
Classification: Likely pathogenic for Neurofibromatosis, type 1. Last evaluated: 2020-10-26. Review status: criteria provided, single submitter. Criteria: ACMG Guidelines, 2015. Collection method: clinical testing. Allele origin: germline. Affected: yes.

Literature cited by the submitters: PubMed 10712197 (cited by Labcorp Genetics (formerly Invitae), Labcorp); PubMed 23913538 (cited by Labcorp Genetics (formerly Invitae), Labcorp); PubMed 26056819 (cited by Labcorp Genetics (formerly Invitae), Labcorp and 3billion); PubMed 27838393 (cited by Labcorp Genetics (formerly Invitae), Labcorp).